The following is an entry in ClinVar:

ClinVar aggregate classification (germline): Uncertain significance. Review status: criteria provided, multiple submitters, no conflicts (2 of 4 stars). 2 submissions from 2 submitters: Uncertain significance (2). Last evaluated 2025-04-11.

gnomAD v4.1: 40 of 1,613,452 alleles (0.0025%); highest among the groups gnomAD compares: South Asian, 0.021%; 1 homozygote.

Submissions (2):

Ambry Genetics
Classification: Uncertain significance. Last evaluated: 2025-04-11. Review status: criteria provided, single submitter. Criteria: Ambry Variant Classification Scheme 2023. Collection method: clinical testing. Allele origin: germline.

Labcorp Genetics (formerly Invitae), Labcorp
Classification: Uncertain significance. Last evaluated: 2024-06-19. Review status: criteria provided, single submitter. Criteria: Invitae Variant Classification Sherloc (09022015). Collection method: clinical testing. Allele origin: germline.
Comment: This sequence change replaces serine, which is neutral and polar, with threonine, which is neutral and polar, at codon 642 of the ZNF687 protein (p.Ser642Thr). This variant is present in population databases (no rsID available, gnomAD 0.02%). This variant has not been reported in the literature in individuals affected with ZNF687-related conditions. Algorithms developed to predict the effect of missense changes on protein structure and function output the following: SIFT: "Not Available"; PolyPhen-2: "Benign"; Align-GVGD: "Not Available". The threonine amino acid residue is found in multiple mammalian species, which suggests that this missense change does not adversely affect protein function. In summary, the available evidence is currently insufficient to determine the role of this variant in disease. Therefore, it has been classified as a Variant of Uncertain Significance.

NM_020832.3(ZNF687):c.1924T>A (p.Ser642Thr)

Gene: ZNF687 (zinc finger protein 687; plus strand). Cytogenetic location: 1q21.3.
Variant type: single nucleotide variant.
Coding change: c.1924T>A on transcript NM_020832.3 (MANE Select); coding-DNA position 1924, T replaced by A.
Protein change: p.Ser642Thr; replaces serine 642 with threonine.
Molecular consequence: missense variant.
Genome position (GRCh38, 1-based): chr1:151,288,215, T>A. VCF-style: chr1-151288215-T-A. GRCh37 (hg19) VCF-style: chr1-151260691-T-A.
Other names: c.1924T>A, p.Ser642Thr (NM_001304764.2, NM_001304763.2); c.1924T>A (NM_020832.1); short protein forms S642T.
Identifiers: ClinVar variation 3713774 (VCV003713774.3).
Genomic context (GRCh38, chr1:151,288,215, plus strand): 5'-CCACCTGTCTCTGGACCTCTGGCCTTGCCTGCCTTGGGCAAGGGTGAGGGGGCCATCACC[T>A]CCTCTGCCATTACTACAGTTGCTGCTGAGGCCCCTGTCCTGCCGCTCTCCACAGAGCCGC-3'
Protein context (NP_065883.1, residues 632-652): ALGKGEGAIT[Ser642Thr]SAITTVAAEA